The following is an entry in ClinVar:

NM_006947.4(SRP72):c.394T>C (p.Tyr132His)

Gene: SRP72 (signal recognition particle 72; plus strand). Cytogenetic location: 4q12.
Variant type: single nucleotide variant.
Coding change: c.394T>C on transcript NM_006947.4 (MANE Select); coding-DNA position 394, T replaced by C.
Protein change: p.Tyr132His; replaces tyrosine 132 with histidine.
Molecular consequence: missense variant. On other transcripts: non-coding transcript variant (1).
Genome position (GRCh38, 1-based): chr4:56,474,093, T>C. VCF-style: chr4-56474093-T-C. GRCh37 (hg19) VCF-style: chr4-57340259-T-C.
Other names: c.394T>C, p.Tyr132His (NM_001267722.2); short protein forms Y132H.
Identifiers: ClinVar variation 5030220 (VCV005030220.1).

ClinVar aggregate classification (germline): Uncertain significance (1 of 4 stars; one submission).

Submission:

Ambry Genetics
Classification: Uncertain significance. Last evaluated: 2026-06-24. Review status: criteria provided, single submitter. Criteria: Ambry Variant Classification Scheme 2023. Collection method: clinical testing. Allele origin: germline.
Comment: The p.Y132H variant (also known as c.394T>C), located in coding exon 4 of the SRP72 gene, results from a T to C substitution at nucleotide position 394. The tyrosine at codon 132 is replaced by histidine, an amino acid with similar properties. This amino acid position is conserved. In addition, this alteration is predicted to be deleterious by in silico analysis. Based on the available evidence, the clinical significance of this variant remains unclear.